The following is an entry in ClinVar:

NM_007294.4(BRCA1):c.1059G>C (p.Trp353Cys)

Gene: BRCA1 (BRCA1 DNA repair associated; minus strand). Cytogenetic location: 17q21.31.
Variant type: single nucleotide variant.
Coding change: c.1059G>C on transcript NM_007294.4 (MANE Select); coding-DNA position 1059, G replaced by C.
Protein change: p.Trp353Cys; replaces tryptophan 353 with cysteine.
Molecular consequence: missense variant. On other transcripts: intron variant (137).
Genome position (GRCh38, 1-based): chr17:43,094,472, C>G on the plus strand (G>C on the coding strand, the complement: BRCA1 is on the minus strand). VCF-style: chr17-43094472-C-G. GRCh37 (hg19) VCF-style: chr17-41246489-C-G.
Other names: c.936G>C, p.Trp312Cys (NM_001407668.1, NM_001407669.1, NM_001407674.1 and 19 more transcripts); c.933G>C, p.Trp311Cys (NM_001407670.1, NM_001407671.1, NM_001407672.1 and 11 more transcripts); c.1059G>C, p.Trp353Cys (NM_001407684.1, NM_001407854.1, NM_001407858.1 and 30 more transcripts); c.918G>C, p.Trp306Cys (NM_001407692.1, NM_001407694.1, NM_001407695.1 and 29 more transcripts); c.915G>C, p.Trp305Cys (NM_001407740.1, NM_001407741.1, NM_001407742.1 and 20 more transcripts); c.846G>C, p.Trp282Cys (NM_001407853.1, NM_001407894.1, NM_001407895.1 and 9 more transcripts); c.1056G>C, p.Trp352Cys (NM_001407860.1, NM_001407861.1, NM_001407587.1 and 22 more transcripts); c.858G>C, p.Trp286Cys (NM_001407862.1); and 40 more; short protein forms W353C, W306C, W226C, W305C, W311C, W312C, W326C, W57C.
Identifiers: ClinVar variation 186240 (VCV000186240.11), dbSNP rs80356935, ClinGen allele CA000706.

ClinVar aggregate classification (germline): Conflicting classifications of pathogenicity. Review status: criteria provided, conflicting classifications (1 of 4 stars). 3 submissions from 3 submitters: Uncertain significance (2); Likely benign (1). Last evaluated 2025-06-19.

Conditions:
Hereditary cancer-predisposing syndrome. Also called: Neoplastic Syndromes, Hereditary; Tumor predisposition; Hereditary Cancer Syndrome; Hereditary neoplastic syndrome. Identifiers: Orphanet 140162, MedGen C0027672, MeSH D009386, MONDO:0015356.

Submissions (3):

Ambry Genetics
Classification: Uncertain significance for Hereditary cancer-predisposing syndrome. Last evaluated: 2025-06-19. Review status: criteria provided, single submitter. Criteria: Ambry Variant Classification Scheme 2023. Collection method: clinical testing. Allele origin: germline.
Comment: The p.W353C variant (also known as c.1059G>C), located in coding exon 9 of the BRCA1 gene, results from a G to C substitution at nucleotide position 1059. The tryptophan at codon 353 is replaced by cysteine, an amino acid with highly dissimilar properties. This amino acid position is poorly conserved in available vertebrate species. In addition, the in silico prediction for this alteration is inconclusive. Since supporting evidence is limited at this time, the clinical significance of this alteration remains unclear.

University of Washington Department of Laboratory Medicine, University of Washington
Classification: Likely benign for Hereditary cancer-predisposing syndrome. Last evaluated: 2023-03-23. Review status: criteria provided, single submitter. Criteria: Dines et al. (Genet Med. 2020). Collection method: curation. Allele origin: germline.
Comment: Missense variant in a coldspot region where missense variants are very unlikely to be pathogenic (PMID:31911673).

BRCA1 coldspot (exon 11 using historical exon numbering). Reclassification based on statistical prior probability

Color Diagnostics, LLC DBA Color Health
Classification: Uncertain significance for Hereditary cancer-predisposing syndrome. Last evaluated: 2021-02-11. Review status: criteria provided, single submitter. Criteria: ACMG Guidelines, 2015. Collection method: clinical testing. Allele origin: germline.
Comment: This missense variant replaces tryptophan with cysteine at codon 353 of the BRCA1 protein. Computational prediction is inconclusive regarding the impact of this variant on protein structure and function (internally defined REVEL score threshold 0.5 < inconclusive < 0.7, PMID: 27666373). To our knowledge, functional studies have not been reported for this variant. This variant has not been reported in individuals affected with hereditary cancer in the literature. This variant has not been identified in the general population by the Genome Aggregation Database (gnomAD). The available evidence is insufficient to determine the role of this variant in disease conclusively. Therefore, this variant is classified as a Variant of Uncertain Significance.